The following is an entry in ClinVar:

NM_001447.3(FAT2):c.3491C>T (p.Pro1164Leu)

Gene: FAT2 (FAT atypical cadherin 2; minus strand). Cytogenetic location: 5q33.1.
Variant type: single nucleotide variant.
Coding change: c.3491C>T on transcript NM_001447.3 (MANE Select); coding-DNA position 3491, C replaced by T.
Protein change: p.Pro1164Leu; replaces proline 1164 with leucine.
Molecular consequence: missense variant.
Genome position (GRCh38, 1-based): chr5:151,563,408, G>A on the plus strand (C>T on the coding strand, the complement: FAT2 is on the minus strand). VCF-style: chr5-151563408-G-A. GRCh37 (hg19) VCF-style: chr5-150942969-G-A.
Other names: short protein forms P1164L.
Identifiers: ClinVar variation 1220803 (VCV001220803.11), dbSNP rs2304053, ClinGen allele CA3521821.

ClinVar aggregate classification (germline): Benign. Review status: criteria provided, multiple submitters, no conflicts (2 of 4 stars). 4 submissions from 4 submitters: Benign (3). 1 of the submissions does not count toward it. Last evaluated 2026-02-03.

Conditions:
FAT2-related disorder. Also called: FAT2-related condition.
Spinocerebellar ataxia 45. Identifiers: Orphanet 589527, MedGen C4540400, MONDO:0033480, OMIM 617769.

Allele frequency attached by ClinVar (database versions not stated): ESP Exome Variant Server 0.45218; gnomAD exomes 0.49353 and 0.44502; 1000 Genomes Project 0.36362; gnomAD 0.44600 and 0.44875; 1000 Genomes Project 30x 0.36477; TOPMed 0.43202; ExAC 0.44475.
gnomAD v4.1: 788,535 of 1,613,358 alleles (49%); highest among the groups gnomAD compares: Non-Finnish European, 52%; 197,609 homozygotes.

Submissions (4):

Labcorp Genetics (formerly Invitae), Labcorp
Classification: Benign. Last evaluated: 2026-02-03. Review status: criteria provided, single submitter. Criteria: Invitae Variant Classification Sherloc (09022015). Collection method: clinical testing. Allele origin: germline.

Genome-Nilou Lab
Classification: Benign for Spinocerebellar ataxia 45. Last evaluated: 2021-08-10. Review status: criteria provided, single submitter. Criteria: ACMG Guidelines, 2015. Collection method: clinical testing. Allele origin: germline. Affected: no.

GeneDx
Classification: Benign. Last evaluated: 2021-05-04. Review status: criteria provided, single submitter. Criteria: GeneDx Variant Classification Process June 2021. Collection method: clinical testing. Allele origin: germline. Affected: yes.

PreventionGenetics, part of Exact Sciences
Classification: Benign for FAT2-related condition. Last evaluated: 2019-07-08. Review status: no assertion criteria provided. Collection method: clinical testing. Allele origin: germline. Not counted in ClinVar's aggregate classification.
Comment: This variant is classified as benign based on ACMG/AMP sequence variant interpretation guidelines (Richards et al. 2015 PMID: 25741868, with internal and published modifications).